The following is an entry in ClinVar:

NM_006767.4(LZTR1):c.2302del (p.Asn767_Val768insTer)

Gene: LZTR1 (leucine zipper like post translational regulator 1; plus strand). Cytogenetic location: 22q11.21.
Variant type: Deletion.
Coding change: c.2302del on transcript NM_006767.4 (MANE Select); coding-DNA position 2302, one base deleted (G; older notation c.2302delG).
Protein change: p.Asn767_Val768insTer.
Molecular consequence: nonsense.
Genome position (GRCh38, 1-based): chr22:20,996,778, G deleted. VCF-style (leftmost placement, unchanged base first): chr22-20996777-CG-C. GRCh37 (hg19) VCF-style: chr22-21351066-CG-C.
Other names: c.2302delG (NM_006767.3).
Identifiers: ClinVar variation 848061 (VCV000848061.11), dbSNP rs1924869044, ClinGen allele CA916083787.

ClinVar aggregate classification (germline): Pathogenic. Review status: criteria provided, multiple submitters, no conflicts (2 of 4 stars). 2 submissions from 2 submitters: Pathogenic (2). Last evaluated 2024-12-02.

Conditions:
Cardiovascular phenotype. Identifiers: MedGen CN230736.
Hereditary cancer-predisposing syndrome. Also called: Tumor predisposition; Hereditary neoplastic syndrome; Neoplastic Syndromes, Hereditary; Hereditary Cancer Syndrome. Identifiers: Orphanet 140162, MedGen C0027672, MeSH D009386, MONDO:0015356.

Allele frequency attached by ClinVar (database versions not stated): gnomAD exomes below 0.00001.

Submissions (2):

Labcorp Genetics (formerly Invitae), Labcorp
Classification: Pathogenic. Last evaluated: 2024-12-02. Review status: criteria provided, single submitter. Criteria: Invitae Variant Classification Sherloc (09022015). Collection method: clinical testing. Allele origin: germline.
Comment: This sequence change creates a premature translational stop signal (p.Val768*) in the LZTR1 gene. It is expected to result in an absent or disrupted protein product. Loss-of-function variants in LZTR1 are known to be pathogenic (PMID: 24362817, 25335493, 25480913, 25795793, 29469822, 30368668, 30442762, 30442766, 30481304, 30859559). This variant is not present in population databases (gnomAD no frequency). This variant has not been reported in the literature in individuals affected with LZTR1-related conditions. ClinVar contains an entry for this variant (Variation ID: 848061). For these reasons, this variant has been classified as Pathogenic.

Ambry Genetics
Classification: Pathogenic for Cardiovascular phenotype; Hereditary cancer-predisposing syndrome. Last evaluated: 2024-08-23. Review status: criteria provided, single submitter. Criteria: Ambry Variant Classification Scheme 2023. Collection method: clinical testing. Allele origin: germline.
Comment: The c.2302delG pathogenic mutation, located in coding exon 19 of the LZTR1 gene, results from a deletion of one nucleotide at nucleotide position 2302, causing a translational frameshift with a predicted alternate stop codon (p.V768*). This alteration is expected to result in loss of function by premature protein truncation or nonsense-mediated mRNA decay. Loss-of-function variants in LZTR1 are related to an increased risk for schwannomas and autosomal recessive Noonan syndrome; however, such associations with autosomal dominant Noonan syndrome have not been observed (Piotrowski A et al. Nat Genet. 2014 Feb;46:182-7; Yamamoto GL et al. J Med Genet. 2015 Jun;52:413-21; Johnston JJ et al. Genet Med. 2018 10;20:1175-1185). Based on the supporting evidence, this variant is pathogenic for an increased risk of LZTR1-related schwannomatosis (SWN) and would be expected to cause autosomal recessive Noonan syndrome when present along with a second pathogenic or likely pathogenic variant on the other allele; however, the association of this alteration with autosomal dominant Noonan syndrome is unlikely.

Literature cited by the submitters: PubMed 24362817 (cited by Labcorp Genetics (formerly Invitae), Labcorp); PubMed 25335493 (cited by Labcorp Genetics (formerly Invitae), Labcorp); PubMed 25480913 (cited by Labcorp Genetics (formerly Invitae), Labcorp); PubMed 25795793 (cited by Labcorp Genetics (formerly Invitae), Labcorp); PubMed 29469822 (cited by Labcorp Genetics (formerly Invitae), Labcorp); PubMed 30368668 (cited by Labcorp Genetics (formerly Invitae), Labcorp); PubMed 30442762 (cited by Labcorp Genetics (formerly Invitae), Labcorp); PubMed 30442766 (cited by Labcorp Genetics (formerly Invitae), Labcorp); PubMed 30481304 (cited by Labcorp Genetics (formerly Invitae), Labcorp); PubMed 30859559 (cited by Labcorp Genetics (formerly Invitae), Labcorp).